The following is an entry in ClinVar:

NM_000388.4(CASR):c.3008G>A (p.Ser1003Asn)

Gene: CASR (calcium sensing receptor; plus strand). Cytogenetic location: 3q21.1.
Variant type: single nucleotide variant.
Coding change: c.3008G>A on transcript NM_000388.4 (MANE Select); coding-DNA position 3008, G replaced by A.
Protein change: p.Ser1003Asn; replaces serine 1003 with asparagine.
Molecular consequence: missense variant.
Genome position (GRCh38, 1-based): chr3:122,284,962, G>A. VCF-style: chr3-122284962-G-A. GRCh37 (hg19) VCF-style: chr3-122003809-G-A.
Other names: c.3008G>A (NM_000388.3); c.3038G>A, p.Ser1013Asn (NM_001178065.2); short protein forms S1003N, S1013N.
Identifiers: ClinVar variation 1005944 (VCV001005944.10), dbSNP rs2074950882, ClinGen allele CA354161255.

ClinVar aggregate classification (germline): Conflicting classifications of pathogenicity. Review status: criteria provided, conflicting classifications (1 of 4 stars). 2 submissions from 2 submitters: Uncertain significance (1); Likely benign (1). Last evaluated 2024-07-12.

Conditions:
Autosomal dominant hypocalcemia 1 (HYPOC1). Also called: HYPOCALCEMIA, FAMILIAL. Identifiers: MedGen C3715128, MONDO:0011013, OMIM 601198.
Familial hypocalciuric hypercalcemia (FHH). Also called: Familial benign hypercalcemia. Identifiers: Orphanet 405, MedGen C1809471, MONDO:0018458.
Nephrolithiasis/nephrocalcinosis. Identifiers: MedGen CN580796.

Allele frequency attached by ClinVar (database versions not stated): gnomAD exomes below 0.00001.
gnomAD v4.1: 2 of 1,614,220 alleles (0.00012%); highest among the groups gnomAD compares: Non-Finnish European, 0.00017%; no homozygotes.

Submissions (2):

Ambry Genetics
Classification: Likely benign for Nephrolithiasis/nephrocalcinosis. Last evaluated: 2024-07-12. Review status: criteria provided, single submitter. Criteria: Ambry Variant Classification Scheme 2023. Collection method: clinical testing. Allele origin: germline.

Labcorp Genetics (formerly Invitae), Labcorp
Classification: Uncertain significance for Familial hypocalciuric hypercalcemia; Autosomal dominant hypocalcemia 1. Last evaluated: 2023-09-10. Review status: criteria provided, single submitter. Criteria: Invitae Variant Classification Sherloc (09022015). Collection method: clinical testing. Allele origin: germline.
Comment: This sequence change replaces serine, which is neutral and polar, with asparagine, which is neutral and polar, at codon 1003 of the CASR protein (p.Ser1003Asn). This variant is not present in population databases (gnomAD no frequency). This variant has not been reported in the literature in individuals affected with CASR-related conditions. ClinVar contains an entry for this variant (Variation ID: 1005944). Algorithms developed to predict the effect of missense changes on protein structure and function output the following: SIFT: "Not Available"; PolyPhen-2: "Benign"; Align-GVGD: "Not Available". The asparagine amino acid residue is found in multiple mammalian species, which suggests that this missense change does not adversely affect protein function. In summary, the available evidence is currently insufficient to determine the role of this variant in disease. Therefore, it has been classified as a Variant of Uncertain Significance.